The following is an entry in ClinVar:

ClinVar aggregate classification (germline): Uncertain significance (1 of 4 stars; one submission).

Submission:

Labcorp Genetics (formerly Invitae), Labcorp
Classification: Uncertain significance. Last evaluated: 2022-05-09. Review status: criteria provided, single submitter. Criteria: Invitae Variant Classification Sherloc (09022015). Collection method: clinical testing. Allele origin: germline.
Comment: In summary, the available evidence is currently insufficient to determine the role of this variant in disease. Therefore, it has been classified as a Variant of Uncertain Significance. Algorithms developed to predict the effect of missense changes on protein structure and function are either unavailable or do not agree on the potential impact of this missense change (SIFT: "Deleterious"; PolyPhen-2: "Benign"; Align-GVGD: "Class C35"). This variant has not been reported in the literature in individuals affected with ATF6-related conditions. This variant is not present in population databases (gnomAD no frequency). This sequence change replaces glutamic acid, which is acidic and polar, with aspartic acid, which is acidic and polar, at codon 329 of the ATF6 protein (p.Glu329Asp).

NM_007348.4(ATF6):c.987A>C (p.Glu329Asp)

Gene: ATF6 (activating transcription factor 6; plus strand). Cytogenetic location: 1q23.3.
Variant type: single nucleotide variant.
Coding change: c.987A>C on transcript NM_007348.4 (MANE Select); coding-DNA position 987, A replaced by C.
Protein change: p.Glu329Asp; replaces glutamic acid 329 with aspartic acid.
Molecular consequence: missense variant.
Genome position (GRCh38, 1-based): chr1:161,819,710, A>C. VCF-style: chr1-161819710-A-C. GRCh37 (hg19) VCF-style: chr1-161789500-A-C.
Other names: short protein forms E329D.
Identifiers: ClinVar variation 1499103 (VCV001499103.8), dbSNP rs980964517, ClinGen allele CA31702319.